The following is an entry in ClinVar:

NM_001244710.2(GFPT1):c.1734A>G (p.Lys578=)

Gene: GFPT1 (glutamine--fructose-6-phosphate transaminase 1; minus strand). Cytogenetic location: 2p13.3.
Variant type: single nucleotide variant.
Coding change: c.1734A>G on transcript NM_001244710.2 (MANE Select); coding-DNA position 1734, A replaced by G.
Protein change: p.Lys578=; no amino-acid change (lysine 578 retained).
Molecular consequence: synonymous variant.
Genome position (GRCh38, 1-based): chr2:69,328,430, T>C on the plus strand (A>G on the coding strand, the complement: GFPT1 is on the minus strand). VCF-style: chr2-69328430-T-C. GRCh37 (hg19) VCF-style: chr2-69555562-T-C.
Other names: c.1680A>G, p.Lys560= (NM_002056.4).
Identifiers: ClinVar variation 512165 (VCV000512165.2), dbSNP rs1233348235, ClinGen allele CA426711500.

ClinVar aggregate classification (germline): Likely benign. Review status: criteria provided, multiple submitters, no conflicts (2 of 4 stars). 2 submissions from 2 submitters: Likely benign (2). Last evaluated 2026-01-09.

Conditions:
Congenital myasthenic syndrome 12 (CMS12). Also called: MYASTHENIC SYNDROME, CONGENITAL, WITH TUBULAR AGGREGATES 1; Myasthenia, congenital, 12, with tubular aggregates. Identifiers: Orphanet 353327, Orphanet 590, MedGen C3552335, MONDO:0012518, OMIM 610542.

Allele frequency attached by ClinVar (database versions not stated): gnomAD exomes below 0.00001; TOPMed 0.00001.
gnomAD v4.1: 1 of 1,611,254 alleles (0.000062%); highest among the groups gnomAD compares: South Asian, 0.0011%; no homozygotes.

Submissions (2):

Labcorp Genetics (formerly Invitae), Labcorp
Classification: Likely benign for Congenital myasthenic syndrome 12. Last evaluated: 2026-01-09. Review status: criteria provided, single submitter. Criteria: Invitae Variant Classification Sherloc (09022015). Collection method: clinical testing. Allele origin: germline.

GeneDx
Classification: Likely benign. Last evaluated: 2017-09-18. Review status: criteria provided, single submitter. Criteria: GeneDx Variant Classification (06012015). Collection method: clinical testing. Allele origin: germline. Affected: yes.
Comment: This variant is considered likely benign or benign based on one or more of the following criteria: it is a conservative change, it occurs at a poorly conserved position in the protein, it is predicted to be benign by multiple in silico algorithms, and/or has population frequency not consistent with disease.